The following is an entry in ClinVar:

ClinVar aggregate classification (germline): Likely benign. Review status: criteria provided, multiple submitters, no conflicts (2 of 4 stars). 5 submissions from 5 submitters: Likely benign (5). Last evaluated 2026-04-01.

Allele frequency attached by ClinVar (database versions not stated): gnomAD exomes 0.00037 and 0.00058; ExAC 0.00054; ESP Exome Variant Server 0.00054; gnomAD 0.00070 and 0.00079; TOPMed 0.00103; 1000 Genomes Project 0.00140; 1000 Genomes Project 30x 0.00141.
gnomAD v4.1: 687 of 1,614,192 alleles (0.043%); highest among the groups gnomAD compares: Admixed American, 0.23%; 2 homozygotes.

Submissions (5):

CeGaT Center for Human Genetics Tuebingen
Classification: Likely benign. Last evaluated: 2026-04-01. Review status: criteria provided, single submitter. Criteria: CeGaT Center For Human Genetics Tuebingen Variant Classification Criteria Version 2. Collection method: clinical testing. Allele origin: germline. Affected: yes. Observed: 1 variant allele.
Comment: NLRP1: BP4

Labcorp Genetics (formerly Invitae), Labcorp
Classification: Likely benign. Last evaluated: 2026-02-01. Review status: criteria provided, single submitter. Criteria: Invitae Variant Classification Sherloc (09022015). Collection method: clinical testing. Allele origin: germline.

Mayo Clinic Laboratories, Mayo Clinic
Classification: Likely benign. Last evaluated: 2024-12-24. Review status: criteria provided, single submitter. Criteria: ACMG Guidelines, 2015. Collection method: clinical testing. Allele origin: germline. Observed: 1 variant allele.
Comment: BS2_supporting, BP4_moderate

Blueprint Genetics
Classification: Likely benign. Last evaluated: 2024-11-06. Review status: criteria provided, single submitter. Criteria: ACMG Guidelines, 2015. Collection method: clinical testing. Allele origin: germline.

Breakthrough Genomics
Classification: Likely benign. Review status: criteria provided, single submitter. Criteria: ACMG Guidelines, 2015. Collection method: not provided. Allele origin: germline. Inheritance: Autosomal recessive inheritance. Affected: yes.

NM_033004.4(NLRP1):c.822T>G (p.Phe274Leu)

Gene: NLRP1 (NLR family pyrin domain containing 1; minus strand). Cytogenetic location: 17p13.2.
Variant type: single nucleotide variant.
Coding change: c.822T>G on transcript NM_033004.4 (MANE Select); coding-DNA position 822, T replaced by G.
Protein change: p.Phe274Leu; replaces phenylalanine 274 with leucine.
Molecular consequence: missense variant.
Genome position (GRCh38, 1-based): chr17:5,559,874, A>C on the plus strand (T>G on the coding strand, the complement: NLRP1 is on the minus strand). VCF-style: chr17-5559874-A-C. GRCh37 (hg19) VCF-style: chr17-5463194-A-C.
Other names: p.Phe274Leu; c.822T>G, p.Phe274Leu (NM_001033053.3, NM_014922.5, NM_033006.4 and 1 more transcripts); short protein forms F274L.
Identifiers: ClinVar variation 1121005 (VCV001121005.14), dbSNP rs148499417, ClinGen allele CA8327481.